The following is an entry in ClinVar:

ClinVar aggregate classification (germline): Benign/Likely benign. Review status: criteria provided, multiple submitters, no conflicts (2 of 4 stars). 7 submissions from 7 submitters: Benign (1); Likely benign (6). Last evaluated 2026-01-19.

Conditions:
Hereditary cancer-predisposing syndrome. Also called: Hereditary neoplastic syndrome; Tumor predisposition; Neoplastic Syndromes, Hereditary; Hereditary Cancer Syndrome. Identifiers: Orphanet 140162, MedGen C0027672, MeSH D009386, MONDO:0015356.
Familial thoracic aortic aneurysm and aortic dissection (TAAD). Also called: Thoracic aortic aneurysms and dissections. Identifiers: Orphanet 91387, MedGen C4707243, MONDO:0019625.
Juvenile polyposis syndrome (JPS). Identifiers: Orphanet 2929, MedGen C0345893, MONDO:0017380, OMIM 174900.
Juvenile polyposis/hereditary hemorrhagic telangiectasia syndrome (JPHT). Also called: Juvenile Polyposis Syndrome / Hereditary Hemorrhagic Telangiectasia (JPS/HHT); JP/HHT SYNDROME; JUVENILE POLYPOSIS WITH HEREDITARY HEMORRHAGIC TELANGIECTASIA; POLYPOSIS, GENERALIZED JUVENILE, WITH PULMONARY ARTERIOVENOUS MALFORMATION; TELANGIECTASIA, HEREDITARY HEMORRHAGIC, WITH JUVENILE POLYPOSIS COLI. Identifiers: Orphanet 2929, MedGen C1832942, MONDO:0008278, OMIM 175050.

Allele frequency attached by ClinVar (database versions not stated): gnomAD 0.00001; gnomAD exomes 0.00001 and below 0.00001; TOPMed below 0.00001; ExAC 0.00001.
gnomAD v4.1: 10 of 1,613,978 alleles (0.00062%); highest among the groups gnomAD compares: South Asian, 0.0033%; no homozygotes.

Submissions (7):

Labcorp Genetics (formerly Invitae), Labcorp
Classification: Likely benign for Juvenile polyposis syndrome. Last evaluated: 2026-01-19. Review status: criteria provided, single submitter. Criteria: Invitae Variant Classification Sherloc (09022015). Collection method: clinical testing. Allele origin: germline.

Quest Diagnostics Nichols Institute San Juan Capistrano
Classification: Likely benign. Last evaluated: 2025-05-16. Review status: criteria provided, single submitter. Criteria: Quest Diagnostics criteria. Collection method: clinical testing. Allele origin: unknown.

Myriad Genetics, Inc.
Classification: Benign for Juvenile polyposis/hereditary hemorrhagic telangiectasia syndrome. Last evaluated: 2025-03-18. Review status: criteria provided, single submitter. Criteria: Myriad Autosomal Dominant, Autosomal Recessive and X-Linked Classification Criteria (2023). Collection method: clinical testing. Allele origin: unknown.
Comment: This variant is considered benign. This variant is a silent/synonymous amino acid change and it is not expected to impact splicing.

All of Us Research Program, National Institutes of Health
Classification: Likely benign for Juvenile polyposis/hereditary hemorrhagic telangiectasia syndrome. Last evaluated: 2023-10-23. Review status: criteria provided, single submitter. Criteria: ACMG Guidelines, 2015. Collection method: clinical testing. Allele origin: germline. Inheritance: Autosomal dominant inheritance. Observed: 3 variant alleles, 3 heterozygotes.
Comment: This study involves interpretation of variants in research participants for the purpose of population health screening. Participant phenotype was not available at the time of variant classification. Additional details can be found in publication PMID: 35346344, PMCID: PMC8962531

Sema4
Classification: Likely benign for Hereditary cancer-predisposing syndrome. Last evaluated: 2022-02-14. Review status: criteria provided, single submitter. Criteria: Sema4 Curation Guidelines. Collection method: curation. Allele origin: germline.

Color Diagnostics, LLC DBA Color Health
Classification: Likely benign for Hereditary cancer-predisposing syndrome. Last evaluated: 2017-05-16. Review status: criteria provided, single submitter. Criteria: ACMG Guidelines, 2015. Collection method: clinical testing. Allele origin: germline.

Ambry Genetics
Classification: Likely benign for Hereditary cancer-predisposing syndrome; Familial thoracic aortic aneurysm and aortic dissection. Last evaluated: 2016-02-29. Review status: criteria provided, single submitter. Criteria: Ambry Variant Classification Scheme 2023. Collection method: clinical testing. Allele origin: germline.

NM_005359.6(SMAD4):c.150A>G (p.Lys50=)

Gene: SMAD4 (SMAD family member 4; plus strand). Cytogenetic location: 18q21.2.
Variant type: single nucleotide variant.
Coding change: c.150A>G on transcript NM_005359.6 (MANE Select); coding-DNA position 150, A replaced by G.
Protein change: p.Lys50=; no amino-acid change (lysine 50 retained).
Molecular consequence: synonymous variant.
Genome position (GRCh38, 1-based): chr18:51,047,196, A>G. VCF-style: chr18-51047196-A-G. GRCh37 (hg19) VCF-style: chr18-48573566-A-G.
Identifiers: ClinVar variation 484789 (VCV000484789.22), dbSNP rs749503989, ClinGen allele CA8965731.